The following is an entry in ClinVar:

ClinVar aggregate classification (germline): Pathogenic. Review status: criteria provided, multiple submitters, no conflicts (2 of 4 stars). 10 submissions from 10 submitters: Pathogenic (9). 1 of the submissions does not count toward it. Last evaluated 2026-08-03.

Conditions:
COACH syndrome 2. Identifiers: MedGen C5436837, MONDO:0030859, OMIM 619111.
Retinitis pigmentosa 93. Identifiers: MedGen C5676970, MONDO:0030797, OMIM 619845.
Meckel syndrome, type 6. Identifiers: Orphanet 564, MedGen C2676790, MONDO:0012848, OMIM 612284.
Joubert syndrome 9 (JBTS9). Identifiers: Orphanet 2318, MedGen C2676788, MONDO:0012849, OMIM 612285.
CC2D2A-related disorder. Also called: CC2D2A-related disorders; CC2D2A-related condition. Identifiers: MedGen CN239313.
Meckel-Gruber syndrome. Also called: Dysencephalia splachnocystica; DYSENCEPHALIA SPLANCHNOCYSTICA; GRUBER SYNDROME. Identifiers: Orphanet 564, MedGen C0265215, MONDO:0018921.
Joubert syndrome. Also called: Familial aplasia of the vermis; JOUBERT-BOLTSHAUSER SYNDROME. Identifiers: Orphanet 475, MedGen C5979921, MONDO:0018772.
Joubert syndrome and related disorders. Identifiers: Orphanet 140874, MedGen C5679612, MONDO:0015369.

Allele frequency attached by ClinVar (database versions not stated): ESP Exome Variant Server 0.00008; TOPMed below 0.00001; gnomAD exomes 0.00001; gnomAD 0.00001; ExAC 0.00002.
gnomAD v4.1: 29 of 1,610,958 alleles (0.0018%); highest among the groups gnomAD compares: Middle Eastern, 0.033%; no homozygotes.

Submissions (10):

GeneDx
Classification: Pathogenic. Last evaluated: 2026-08-03. Review status: criteria provided, single submitter. Criteria: GeneDx Variant Classification Process June 2021. Collection method: clinical testing. Allele origin: germline.
Comment: Nonsense variant predicted to result in protein truncation or nonsense mediated decay in a gene for which loss of function is a known mechanism of disease; Not observed at significant frequency in large population cohorts (gnomAD); This variant is associated with the following publications: (PMID: 31964843, 21866095, 21068128, 31589614, 25525159, 33486889, 19777577)

Labcorp Genetics (formerly Invitae), Labcorp
Classification: Pathogenic for Joubert syndrome; Meckel-Gruber syndrome. Last evaluated: 2025-03-05. Review status: criteria provided, single submitter. Criteria: Invitae Variant Classification Sherloc (09022015). Collection method: clinical testing. Allele origin: germline.
Comment: This sequence change creates a premature translational stop signal (p.Arg173*) in the CC2D2A gene. It is expected to result in an absent or disrupted protein product. Loss-of-function variants in CC2D2A are known to be pathogenic (PMID: 19777577). This variant is present in population databases (rs386833763, gnomAD 0.002%). This premature translational stop signal has been observed in individual(s) with clinical features of Joubert syndrome and related disorders (PMID: 19777577, 21866095). ClinVar contains an entry for this variant (Variation ID: 56315). For these reasons, this variant has been classified as Pathogenic.

Fulgent Genetics
Classification: Pathogenic for Meckel syndrome, type 6; Joubert syndrome 9; COACH syndrome 2; Retinitis pigmentosa 93. Last evaluated: 2024-02-12. Review status: criteria provided, single submitter. Criteria: ACMG Guidelines, 2015. Collection method: clinical testing. Allele origin: germline.

Myriad Genetics, Inc.
Classification: Pathogenic for Joubert syndrome and related disorders. Last evaluated: 2024-02-08. Review status: criteria provided, single submitter. Criteria: Myriad Autosomal Dominant, Autosomal Recessive and X-Linked Classification Criteria (2023). Collection method: clinical testing. Allele origin: unknown.
Comment: NM_001080522.2(CC2D2A):c.517C>T(R173*) is expected to be pathogenic in the context of CC2D2A-related disorders. This variant is predicted to lead to an abnormal or absent protein product due to the creation of a premature termination codon in CC2D2A, a gene where loss-of-function variants are known to be pathogenic. Please note: this variant was assessed in the context of healthy population screening.

Blueprint Genetics
Classification: Pathogenic for CC2D2A-related disorders. Last evaluated: 2023-06-30. Review status: criteria provided, single submitter. Criteria: ACMG Guidelines, 2015. Collection method: clinical testing. Allele origin: germline. Affected: yes. Observed: 5 variant alleles.

Baylor Genetics
Classification: Pathogenic for Meckel syndrome, type 6. Last evaluated: 2020-02-17. Review status: criteria provided, single submitter. Criteria: ACMG Guidelines, 2015. Collection method: clinical testing. Allele origin: unknown. Affected: yes.
Comment: This variant was determined to be pathogenic according to ACMG Guidelines, 2015 [PMID:25741868]. This variant in the homozygous state has been first reported in a patient with Meckel syndrome [PMID: 19777577, 21866095]

Genetic Services Laboratory, University of Chicago
Classification: Pathogenic for Meckel syndrome 6. Last evaluated: 2016-03-11. Review status: criteria provided, single submitter. Criteria: ACMG Guidelines, 2015. Collection method: clinical testing. Allele origin: germline. Affected: yes.

Juno Genomics, Hangzhou Juno Genomics, Inc
Classification: Pathogenic for COACH syndrome 2; Joubert syndrome 9; Meckel syndrome, type 6; Retinitis pigmentosa 93. Review status: criteria provided, single submitter. Criteria: ACMG Guidelines, 2015. Collection method: clinical testing. Allele origin: germline.
Comment: Absent from controls (or at extremely low frequency if recessive) in Genome Aggregation Database.;Null variant in a gene where loss of function (LOF) is a known mechanism of disease.;For recessive disorders, detected in trans with a pathogenic variant.

Neuberg Centre For Genomic Medicine, NCGM
Classification: Pathogenic for Meckel syndrome, type 6. Review status: criteria provided, single submitter. Criteria: ACMG Guidelines, 2015. Collection method: clinical testing. Allele origin: germline. Inheritance: Autosomal recessive inheritance. Affected: yes.
Comment: The c.517C>T (p.Arg173Ter) variant has been reported previously in homozygous state in patients affected with Meckel syndrome (Chaki M et al, MougouZerelli S et al). The p.Arg173Ter variant is reported with the allele frequency of 0.0008169% in gnomAD and is novel (not in any individuals) in 1000 Genomes. This variant has been reported to the ClinVar database as Pathogenic with a status of criteria provided, single submitter. This variant is predicted to cause loss of normal protein function through protein truncation. Loss of function variants have been previously reported to be disease causing. The nucleotide change in CC2D2A is predicted as conserved by GERP++ and PhyloP across 100 vertebrates. For these reasons, this variant has been classified as Pathogenic.

Juha Muilu Group; Institute for Molecular Medicine Finland (FIMM)
Classification: Likely pathogenic for Meckel syndrome, type 6. Review status: no assertion criteria provided. Collection method: not provided. Allele origin: unknown. Not counted in ClinVar's aggregate classification.
Comment: FinDis database variant: This variant was not found or characterized by our laboratory, data were collected from public sources: see reference
ClinVar note: Converted during submission from probable-pathogenic to Likely pathogenic.

Literature cited by the submitters: PubMed 19777577 (cited by Labcorp Genetics (formerly Invitae), Labcorp and Baylor Genetics); PubMed 21866095 (cited by Labcorp Genetics (formerly Invitae), Labcorp and Baylor Genetics).

NM_001378615.1(CC2D2A):c.517C>T (p.Arg173Ter)

Genes: CC2D2A (coiled-coil and C2 domain containing 2A; plus strand), FBXL5 (F-box and leucine rich repeat protein 5; minus strand). Cytogenetic location: 4p15.32.
Variant type: single nucleotide variant.
Coding change: c.517C>T on transcript NM_001378615.1 (MANE Select); coding-DNA position 517, C replaced by T.
Protein change: p.Arg173Ter; replaces arginine 173 with a stop codon.
Molecular consequence: nonsense.
Genome position (GRCh38, 1-based): chr4:15,510,217, C>T. VCF-style: chr4-15510217-C-T. GRCh37 (hg19) VCF-style: chr4-15511840-C-T.
Other names: c.517C>T, p.Arg173Ter (NM_001080522.2); c.370C>T, p.Arg124Ter (NM_001378617.1); short protein forms R173*, R124*.
Identifiers: ClinVar variation 56315 (VCV000056315.22), dbSNP rs386833763, ClinGen allele CA144239.